The following is an entry in ClinVar:

NM_000074.3(CD40LG):c.614T>C (p.Leu205Ser)

Gene: CD40LG (CD40 ligand; plus strand). Cytogenetic location: Xq26.3.
Variant type: single nucleotide variant.
Coding change: c.614T>C on transcript NM_000074.3 (MANE Select); coding-DNA position 614, T replaced by C.
Protein change: p.Leu205Ser; replaces leucine 205 with serine.
Molecular consequence: missense variant.
Genome position (GRCh38, 1-based): chrX:136,659,243, T>C. VCF-style: chrX-136659243-T-C. GRCh37 (hg19) VCF-style: chrX-135741402-T-C.
Other names: short protein forms L205S.
Identifiers: ClinVar variation 3724518 (VCV003724518.2).
Genomic context (GRCh38, chrX:136,659,243, plus strand): 5'-GTCAAGCTCCATTTATAGCCAGCCTCTGCCTAAAGTCCCCCGGTAGATTCGAGAGAATCT[T>C]ACTCAGAGCTGCAAATACCCACAGTTCCGCCAAACCTTGCGGGCAACAATCCATTCACTT-3'
Protein context (NP_000065.1, residues 195-215): LKSPGRFERI[Leu205Ser]LRAANTHSSA

ClinVar aggregate classification (germline): Uncertain significance (1 of 4 stars; one submission).

Conditions:
Hyper-IgM syndrome type 1. Also called: Hyper-IgM Immunodeficiency Syndrome, Type 1; CD40 Ligand Deficiency; X-linked hyper-IgM syndrome; Immunodeficiency, X-linked, with hyper-IgM. Identifiers: Orphanet 101088, MedGen C0398689, MONDO:0010626, OMIM 308230.

Submission:

Labcorp Genetics (formerly Invitae), Labcorp
Classification: Uncertain significance for Hyper-IgM syndrome type 1. Last evaluated: 2024-11-18. Review status: criteria provided, single submitter. Criteria: Invitae Variant Classification Sherloc (09022015). Collection method: clinical testing. Allele origin: germline.
Comment: This sequence change replaces leucine, which is neutral and non-polar, with serine, which is neutral and polar, at codon 205 of the CD40LG protein (p.Leu205Ser). This variant is not present in population databases (gnomAD no frequency). This missense change has been observed in individual(s) with hyper-IgM syndrome (PMID: 25215306). Invitae Evidence Modeling of protein sequence and biophysical properties (such as structural, functional, and spatial information, amino acid conservation, physicochemical variation, residue mobility, and thermodynamic stability) indicates that this missense variant is expected to disrupt CD40LG protein function with a positive predictive value of 80%. In summary, the available evidence is currently insufficient to determine the role of this variant in disease. Therefore, it has been classified as a Variant of Uncertain Significance.

Literature cited by the submitters: PubMed 25215306.